The following is an entry in ClinVar:

ClinVar aggregate classification (germline): Uncertain significance (1 of 4 stars; one submission).

gnomAD v4.1: 2 of 1,613,912 alleles (0.00012%); highest among the groups gnomAD compares: Non-Finnish European, 0.00017%; no homozygotes.

Submission:

Labcorp Genetics (formerly Invitae), Labcorp
Classification: Uncertain significance. Last evaluated: 2024-06-04. Review status: criteria provided, single submitter. Criteria: Invitae Variant Classification Sherloc (09022015). Collection method: clinical testing. Allele origin: germline.
Comment: This sequence change replaces proline, which is neutral and non-polar, with serine, which is neutral and polar, at codon 1171 of the COL4A1 protein (p.Pro1171Ser). This variant is present in population databases (no rsID available, gnomAD 0.0009%). This variant has not been reported in the literature in individuals affected with COL4A1-related conditions. An algorithm developed to predict the effect of missense changes on protein structure and function (PolyPhen-2) suggests that this variant is likely to be disruptive. In summary, the available evidence is currently insufficient to determine the role of this variant in disease. Therefore, it has been classified as a Variant of Uncertain Significance.

NM_001845.6(COL4A1):c.3511C>T (p.Pro1171Ser)

Gene: COL4A1 (collagen type IV alpha 1 chain; minus strand). Cytogenetic location: 13q34.
Variant type: single nucleotide variant.
Coding change: c.3511C>T on transcript NM_001845.6 (MANE Select); coding-DNA position 3511, C replaced by T.
Protein change: p.Pro1171Ser; replaces proline 1171 with serine.
Molecular consequence: missense variant.
Genome position (GRCh38, 1-based): chr13:110,172,765, G>A on the plus strand (C>T on the coding strand, the complement: COL4A1 is on the minus strand). VCF-style: chr13-110172765-G-A. GRCh37 (hg19) VCF-style: chr13-110825112-G-A.
Other names: short protein forms P1171S.
Identifiers: ClinVar variation 3626633 (VCV003626633.2).